The following is an entry in ClinVar:

ClinVar aggregate classification (germline): Uncertain significance (1 of 4 stars; one submission).

Conditions:
Familial thoracic aortic aneurysm and aortic dissection (TAAD). Also called: Thoracic aortic aneurysms and dissections. Identifiers: Orphanet 91387, MedGen C4707243, MONDO:0019625.

Submission:

All of Us Research Program, National Institutes of Health
Classification: Uncertain significance for Familial thoracic aortic aneurysm and aortic dissection. Last evaluated: 2023-11-20. Review status: criteria provided, single submitter. Criteria: ACMG Guidelines, 2015. Collection method: clinical testing. Allele origin: germline. Inheritance: Autosomal dominant inheritance. Observed: 1 variant allele, 1 heterozygote.
Comment: This missense variant replaces glutamic acid with glutamine at codon 1843 of the MYH11 protein. Computational prediction is inconclusive regarding the impact of this variant on protein structure and function (internally defined REVEL score threshold 0.5 < inconclusive < 0.7, PMID: 27666373). To our knowledge, functional studies have not been reported for this variant. This variant has not been reported in individuals affected with MYH11-related disorders in the literature. This variant has not been identified in the general population by the Genome Aggregation Database (gnomAD). The available evidence is insufficient to determine the role of this variant in disease conclusively. Therefore, this variant is classified as a Variant of Uncertain Significance.

This study involves interpretation of variants in research participants for the purpose of population health screening. Participant phenotype was not available at the time of variant classification. Additional details can be found in publication PMID: 35346344, PMCID: PMC8962531

NM_002474.3(MYH11):c.5506G>C (p.Glu1836Gln)

Genes: NDE1 (nudE neurodevelopment protein 1; plus strand), MYH11 (myosin heavy chain 11; minus strand). Cytogenetic location: 16p13.11.
Variant type: single nucleotide variant.
Coding change: c.5506G>C on transcript NM_002474.3 (MANE Select); coding-DNA position 5506, G replaced by C.
Protein change: p.Glu1836Gln; replaces glutamic acid 1836 with glutamine.
Molecular consequence: missense variant. On other transcripts: intron variant (2).
Genome position (GRCh38, 1-based): chr16:15,715,271, C>G on the plus strand (G>C on the coding strand, the complement: MYH11 is on the minus strand). VCF-style: chr16-15715271-C-G. GRCh37 (hg19) VCF-style: chr16-15809128-C-G.
Other names: c.5506G>C, p.Glu1836Gln (NM_022844.3); c.948-8920C>G (NM_001143979.2, NM_017668.3); c.5527G>C, p.Glu1843Gln (NM_001040113.2, NM_001040114.2); short protein forms E1836Q, E1843Q.
Identifiers: ClinVar variation 3074555 (VCV003074555.1), dbSNP rs2510049761, ClinGen allele CA394847592.